The following is an entry in ClinVar:

NM_020750.3(XPO5):c.2260A>G (p.Thr754Ala)

Genes: POLR1C (RNA polymerase I and III subunit C; plus strand), XPO5 (exportin 5; minus strand). Cytogenetic location: 6p21.1.
Variant type: single nucleotide variant.
Coding change: c.2260A>G on transcript NM_020750.3 (MANE Select); coding-DNA position 2260, A replaced by G.
Protein change: p.Thr754Ala; replaces threonine 754 with alanine.
Molecular consequence: missense variant. On other transcripts: non-coding transcript variant (1), intron variant (1).
Genome position (GRCh38, 1-based): chr6:43,546,653, T>C on the plus strand (A>G on the coding strand, the complement: XPO5 is on the minus strand). VCF-style: chr6-43546653-T-C. GRCh37 (hg19) VCF-style: chr6-43514390-T-C.
Other names: c.923-4315T>C (NM_001363658.2); short protein forms T754A.
Identifiers: ClinVar variation 2059780 (VCV002059780.6), dbSNP rs763899744, ClinGen allele CA3826196.

ClinVar aggregate classification (germline): Uncertain significance. Review status: criteria provided, multiple submitters, no conflicts (2 of 4 stars). 3 submissions from 3 submitters: Uncertain significance (3). Last evaluated 2025-01-23.

Allele frequency attached by ClinVar (database versions not stated): gnomAD 0.00007; TOPMed 0.00007; ExAC 0.00005.
gnomAD v4.1: 40 of 1,613,810 alleles (0.0025%); highest among the groups gnomAD compares: Admixed American, 0.043%; no homozygotes.

Submissions (3):

Ambry Genetics
Classification: Uncertain significance. Last evaluated: 2025-01-23. Review status: criteria provided, single submitter. Criteria: Ambry Variant Classification Scheme 2023. Collection method: clinical testing. Allele origin: germline.

Labcorp Genetics (formerly Invitae), Labcorp
Classification: Uncertain significance. Last evaluated: 2024-11-19. Review status: criteria provided, single submitter. Criteria: Invitae Variant Classification Sherloc (09022015). Collection method: clinical testing. Allele origin: germline.
Comment: This sequence change replaces threonine, which is neutral and polar, with alanine, which is neutral and non-polar, at codon 754 of the XPO5 protein (p.Thr754Ala). This variant is present in population databases (rs763899744, gnomAD 0.04%). This variant has not been reported in the literature in individuals affected with XPO5-related conditions. ClinVar contains an entry for this variant (Variation ID: 2059780). An algorithm developed to predict the effect of missense changes on protein structure and function (PolyPhen-2) suggests that this variant is likely to be tolerated. In summary, the available evidence is currently insufficient to determine the role of this variant in disease. Therefore, it has been classified as a Variant of Uncertain Significance.

Blueprint Genetics
Classification: Uncertain significance. Last evaluated: 2021-03-12. Review status: criteria provided, single submitter. Criteria: ACMG Guidelines, 2015. Collection method: clinical testing. Allele origin: germline.